The following is an entry in ClinVar:

NM_004279.3(PMPCB):c.1087T>C (p.Trp363Arg)

Gene: PMPCB (peptidase, mitochondrial processing subunit beta; plus strand). Cytogenetic location: 7q22.1.
Variant type: single nucleotide variant.
Coding change: c.1087T>C on transcript NM_004279.3 (MANE Select); coding-DNA position 1087, T replaced by C.
Protein change: p.Trp363Arg; replaces tryptophan 363 with arginine.
Molecular consequence: missense variant.
Genome position (GRCh38, 1-based): chr7:103,310,408, T>C. VCF-style: chr7-103310408-T-C. GRCh37 (hg19) VCF-style: chr7-102950855-T-C.
Other names: short protein forms W363R.
Identifiers: ClinVar variation 1030756 (VCV001030756.4), dbSNP rs752266462, ClinGen allele CA4418188.

ClinVar aggregate classification (germline): Uncertain significance. Review status: criteria provided, multiple submitters, no conflicts (2 of 4 stars). 3 submissions from 3 submitters: Uncertain significance (3). Last evaluated 2025-03-05.

Conditions:
Multiple mitochondrial dysfunctions syndrome 6. Identifiers: Orphanet 569290, MedGen C4693741, MONDO:0054785, OMIM 617954.

Allele frequency attached by ClinVar (database versions not stated): gnomAD 0.00001; ExAC 0.00002; gnomAD exomes 0.00002 and 0.00004; TOPMed 0.00003.
gnomAD v4.1: 59 of 1,612,154 alleles (0.0037%); highest among the groups gnomAD compares: Non-Finnish European, 0.0049%; no homozygotes.

Submissions (3):

GeneDx
Classification: Uncertain significance. Last evaluated: 2025-03-05. Review status: criteria provided, single submitter. Criteria: GeneDx Variant Classification Process June 2021. Collection method: clinical testing. Allele origin: germline. Affected: yes.
Comment: Reported previously in the compound heterozygous state in a patient with developmental delay and movement disorder (PMID: 37541188); In silico analysis supports that this missense variant has a deleterious effect on protein structure/function; This variant is associated with the following publications: (PMID: 37541188)

Blueprint Genetics
Classification: Uncertain significance. Last evaluated: 2021-04-26. Review status: criteria provided, single submitter. Criteria: ACMG Guidelines, 2015. Collection method: clinical testing. Allele origin: germline.

Baylor Genetics
Classification: Uncertain significance for Multiple mitochondrial dysfunctions syndrome 6. Last evaluated: 2020-11-25. Review status: criteria provided, single submitter. Criteria: ACMG Guidelines, 2015. Collection method: clinical testing. Allele origin: paternal. Affected: yes.
Comment: This variant was determined to be of uncertain significance according to ACMG Guidelines, 2015 [PMID:25741868].